The following is an entry in ClinVar:

NM_175914.5(HNF4A):c.535T>C (p.Trp179Arg)

Gene: HNF4A (hepatocyte nuclear factor 4 alpha; plus strand). Cytogenetic location: 20q13.12.
Variant type: single nucleotide variant.
Coding change: c.535T>C on transcript NM_175914.5 (MANE Select); coding-DNA position 535, T replaced by C.
Protein change: p.Trp179Arg; replaces tryptophan 179 with arginine.
Molecular consequence: missense variant.
Genome position (GRCh38, 1-based): chr20:44,414,615, T>C. VCF-style: chr20-44414615-T-C. GRCh37 (hg19) VCF-style: chr20-43043255-T-C.
Other names: NM_175914.5:c.535T>C; c.601T>C, p.Trp201Arg (NM_000457.6, NM_178849.3, NM_178850.3); c.535T>C, p.Trp179Arg (NM_001030003.3, NM_001030004.3); c.580T>C, p.Trp194Arg (NM_001258355.2); c.526T>C, p.Trp176Arg (NM_001287182.2, NM_001287183.2, NM_001287184.2); short protein forms W176R, W179R, W194R, W201R.
Identifiers: ClinVar variation 2664356 (VCV002664356.3), dbSNP rs2515680075, ClinGen allele CA409106099.
Genomic context (GRCh38, chr20:44,414,615, plus strand): 5'-ATTGCCAGCATCGCAGATGTGTGTGAGTCCATGAAGGAGCAGCTGCTGGTTCTCGTTGAG[T>C]GGGCCAAGTACATCCCAGCTTTCTGCGAGCTCCCCCTGGACGACCAGGTGAGGATGGGCG-3'
Protein context (NP_787110.2, residues 169-189): MKEQLLVLVE[Trp179Arg]AKYIPAFCEL

ClinVar aggregate classification (germline): Likely pathogenic (3 of 4 stars; one submission).

Conditions:
Monogenic diabetes. Identifiers: Orphanet 183625, MedGen C3888631, MONDO:0015967.

Submission:

ClinGen Monogenic Diabetes Variant Curation Expert Panel
Classification: Likely pathogenic for Monogenic diabetes. Last evaluated: 2026-05-21. Review status: reviewed by expert panel. Criteria: ClinGen Diabetes ACMG Specifications HNF4A V4.0.0. Collection method: curation. Allele origin: germline. Inheritance: Autosomal dominant inheritance.
Comment: The c.535T>C variant in the hepatocyte nuclear factor 4-alpha gene, HNF4A, causes an amino acid change of tryptophan to arginine at codon 179 (p.(Trp179Arg)) of NM_175914.5. This variant is predicted to be deleterious by computational evidence, with a REVEL score of 0.933, which is greater than the MDEP VCEP threshold of 0.70 (PP3). This variant is absent from gnomAD v4.1.0 (PM2_Supporting). This variant was identified in four unrelated individuals with non-autoimmune and non-absolute/near-absolute insulin-deficient diabetes (PS4_Moderate; internal lab contributors). One of these individuals had a clinical history highly specific for HNF4A-monogenic diabetes (MODY probability calculator result >50%, negative genetic testing for HNF1A, and SU sensitive) (PP4_Moderate; internal lab contributors). Another missense variant at the same residue, c.537G>C (p.Trp179Cys), has been classified as likely pathogenic by the ClinGen MDEP (PM5_Supporting). In summary, c.535T>C meets the criteria to be classified as likely pathogenic for monogenic diabetes. ACMG/AMP criteria applied, as specified by the ClinGen MDEP (specification version 4.0.0, approved 10/10/2025): PS4_Moderate, PP4_Moderate, PM2_Supporting, PM5_Supporting, PP3.